The following is an entry in ClinVar:

ClinVar aggregate classification (germline): Uncertain significance (1 of 4 stars; one submission).

Conditions:
Myopathy with tubular aggregates (TAM). Also called: Tubular Aggregate Myopathy. Identifiers: Orphanet 2593, MedGen C0410207, MONDO:0008051.
Combined immunodeficiency due to STIM1 deficiency. Also called: STIM1 DEFICIENCY; IMMUNODEFICIENCY 10. Identifiers: Orphanet 169090, Orphanet 317430, MedGen C2748557, MONDO:0013008, OMIM 612783.
Stormorken syndrome (STRMK). Also called: THROMBOCYTOPATHY, ASPLENIA, AND MIOSIS. Identifiers: Orphanet 3204, MedGen C1861451, MONDO:0008497, OMIM 185070.

gnomAD v4.1: 2 of 1,613,992 alleles (0.00012%); highest among the groups gnomAD compares: Non-Finnish European, 0.00017%; no homozygotes.

Submission:

Labcorp Genetics (formerly Invitae), Labcorp
Classification: Uncertain significance for Myopathy with tubular aggregates; Combined immunodeficiency due to STIM1 deficiency; Stormorken syndrome. Last evaluated: 2025-04-13. Review status: criteria provided, single submitter. Criteria: Invitae Variant Classification Sherloc (09022015). Collection method: clinical testing. Allele origin: germline.
Comment: This sequence change replaces histidine, which is basic and polar, with proline, which is neutral and non-polar, at codon 448 of the STIM1 protein (p.His448Pro). This variant is not present in population databases (gnomAD no frequency). This variant has not been reported in the literature in individuals affected with STIM1-related conditions. Invitae Evidence Modeling of protein sequence and biophysical properties (such as structural, functional, and spatial information, amino acid conservation, physicochemical variation, residue mobility, and thermodynamic stability) indicates that this missense variant is not expected to disrupt STIM1 protein function with a negative predictive value of 95%. In summary, the available evidence is currently insufficient to determine the role of this variant in disease. Therefore, it has been classified as a Variant of Uncertain Significance.

NM_001382567.1(STIM1):c.1343A>C (p.His448Pro)

Gene: STIM1 (stromal interaction molecule 1; plus strand). Cytogenetic location: 11p15.4.
Variant type: single nucleotide variant.
Coding change: c.1343A>C on transcript NM_001382567.1 (MANE Select); coding-DNA position 1343, A replaced by C.
Protein change: p.His448Pro; replaces histidine 448 with proline.
Molecular consequence: missense variant. On other transcripts: non-coding transcript variant (2).
Genome position (GRCh38, 1-based): chr11:4,083,367, A>C. VCF-style: chr11-4083367-A-C. GRCh37 (hg19) VCF-style: chr11-4104597-A-C.
Other names: c.1343A>C, p.His448Pro (NM_001277961.3, NM_001277962.2, NM_003156.4); c.1121A>C, p.His374Pro (NM_001382566.1, NM_001382573.1, NM_001382575.1 and 4 more transcripts); c.1364A>C, p.His455Pro (NM_001382568.1); c.1208A>C, p.His403Pro (NM_001382569.1); c.1115A>C, p.His372Pro (NM_001382570.1); c.863A>C, p.His288Pro (NM_001382571.1); c.854A>C, p.His285Pro (NM_001382580.1, NM_001382581.1); short protein forms H288P, H372P, H448P, H455P, H285P, H374P, H403P.
Identifiers: ClinVar variation 4789018 (VCV004789018.1).
Genomic context (GRCh38, chr11:4,083,367, plus strand): 5'-ACCGCTGGCAACAGATCGAGATCCTCTGTGGCTTCCAGATTGTCAACAACCCTGGCATCC[A>C]CTCACTGGTGGCTGCCCTCAACATAGACCCCAGCTGGATGGGCAGTACACGCCCCAACCC-3'
Protein context (NP_001369496.1, residues 438-458): GFQIVNNPGI[His448Pro]SLVAALNIDP